The following is an entry in ClinVar:

ClinVar aggregate classification (germline): Uncertain significance. Review status: criteria provided, multiple submitters, no conflicts (2 of 4 stars). 2 submissions from 2 submitters: Uncertain significance (2). Last evaluated 2024-03-06.

Conditions:
Hereditary cancer-predisposing syndrome. Also called: Neoplastic Syndromes, Hereditary; Hereditary Cancer Syndrome; Hereditary neoplastic syndrome; Tumor predisposition. Identifiers: Orphanet 140162, MedGen C0027672, MeSH D009386, MONDO:0015356.
DICER1-related tumor predisposition. Also called: DICER1-related pleuropulmonary blastoma cancer predisposition syndrome; DICER1 syndrome. Identifiers: Orphanet 284343, MedGen C3839822, MONDO:0100216.

Submissions (2):

Labcorp Genetics (formerly Invitae), Labcorp
Classification: Uncertain significance for DICER1-related tumor predisposition. Last evaluated: 2024-03-06. Review status: criteria provided, single submitter. Criteria: Invitae Variant Classification Sherloc (09022015). Collection method: clinical testing. Allele origin: germline.
Comment: This sequence change replaces glycine, which is neutral and non-polar, with aspartic acid, which is acidic and polar, at codon 1411 of the DICER1 protein (p.Gly1411Asp). This variant is not present in population databases (gnomAD no frequency). This variant has not been reported in the literature in individuals affected with DICER1-related conditions. ClinVar contains an entry for this variant (Variation ID: 824701). Advanced modeling of protein sequence and biophysical properties (such as structural, functional, and spatial information, amino acid conservation, physicochemical variation, residue mobility, and thermodynamic stability) performed at Invitae indicates that this missense variant is not expected to disrupt DICER1 protein function with a negative predictive value of 80%. In summary, the available evidence is currently insufficient to determine the role of this variant in disease. Therefore, it has been classified as a Variant of Uncertain Significance.

Ambry Genetics
Classification: Uncertain significance for Hereditary cancer-predisposing syndrome. Last evaluated: 2024-02-05. Review status: criteria provided, single submitter. Criteria: Ambry Variant Classification Scheme 2023. Collection method: clinical testing. Allele origin: germline.
Comment: The p.G1411D variant (also known as c.4232G>A), located in coding exon 22 of the DICER1 gene, results from a G to A substitution at nucleotide position 4232. The glycine at codon 1411 is replaced by aspartic acid, an amino acid with similar properties. This amino acid position is highly conserved in available vertebrate species. In addition, this alteration is predicted to be deleterious by in silico analysis. Since supporting evidence is limited at this time, the clinical significance of this alteration remains unclear.

NM_177438.3(DICER1):c.4232G>A (p.Gly1411Asp)

Gene: DICER1 (dicer 1, ribonuclease III; minus strand). Cytogenetic location: 14q32.13.
Variant type: single nucleotide variant.
Coding change: c.4232G>A on transcript NM_177438.3 (MANE Select); coding-DNA position 4232, G replaced by A.
Protein change: p.Gly1411Asp; replaces glycine 1411 with aspartic acid.
Molecular consequence: missense variant.
Genome position (GRCh38, 1-based): chr14:95,096,688, C>T on the plus strand (G>A on the coding strand, the complement: DICER1 is on the minus strand). VCF-style: chr14-95096688-C-T. GRCh37 (hg19) VCF-style: chr14-95563025-C-T.
Other names: c.4232G>A, p.Gly1411Asp (NM_001195573.1, NM_001271282.3, NM_001291628.2 and 1 more transcripts); short protein forms G1411D.
Identifiers: ClinVar variation 824701 (VCV000824701.12), dbSNP rs1595342897, ClinGen allele CA390869797.